The following is an entry in ClinVar:

NM_006767.4(LZTR1):c.441G>T (p.Lys147Asn)

Gene: LZTR1 (leucine zipper like post translational regulator 1; plus strand). Cytogenetic location: 22q11.21.
Variant type: single nucleotide variant.
Coding change: c.441G>T on transcript NM_006767.4 (MANE Select); coding-DNA position 441, G replaced by T.
Protein change: p.Lys147Asn; replaces lysine 147 with asparagine.
Molecular consequence: missense variant.
Genome position (GRCh38, 1-based): chr22:20,988,050, G>T. VCF-style: chr22-20988050-G-T. GRCh37 (hg19) VCF-style: chr22-21342339-G-T.
Other names: short protein forms K147N.
Identifiers: ClinVar variation 3238290 (VCV003238290.1), dbSNP rs2147961998.

ClinVar aggregate classification (germline): Uncertain significance (1 of 4 stars; one submission).

Conditions:
Hereditary cancer-predisposing syndrome. Also called: Neoplastic Syndromes, Hereditary; Tumor predisposition; Hereditary neoplastic syndrome; Hereditary Cancer Syndrome. Identifiers: Orphanet 140162, MedGen C0027672, MeSH D009386, MONDO:0015356.
Cardiovascular phenotype. Identifiers: MedGen CN230736.

Submission:

Ambry Genetics
Classification: Uncertain significance for Cardiovascular phenotype; Hereditary cancer-predisposing syndrome. Last evaluated: 2023-04-19. Review status: criteria provided, single submitter. Criteria: Ambry Variant Classification Scheme 2023. Collection method: clinical testing. Allele origin: germline.
Comment: The p.K147N variant (also known as c.441G>T), located in coding exon 5 of the LZTR1 gene, results from a G to T substitution at nucleotide position 441. The lysine at codon 147 is replaced by asparagine, an amino acid with similar properties. This amino acid position is conserved. In addition, this alteration is predicted to be tolerated by in silico analysis. Since supporting evidence is limited at this time, the clinical significance of this alteration remains unclear.